The following is an entry in ClinVar:

ClinVar aggregate classification (germline): Uncertain significance (1 of 4 stars; one submission).

Conditions:
Inborn genetic diseases. Identifiers: MedGen C0950123, MeSH D030342.

Submission:

Ambry Genetics
Classification: Uncertain significance for Inborn genetic diseases. Last evaluated: 2026-07-23. Review status: criteria provided, single submitter. Criteria: Ambry Variant Classification Scheme 2023. Collection method: clinical testing. Allele origin: germline.
Comment: The c.3499+1G>A intronic variant consists of a G to A substitution one nucleotide after exon 22 (coding exon 22) of the KMT2C gene. Variants that disrupt the canonical splice site are expected to result in aberrant splicing. The resulting transcript is predicted to be in-frame and is not expected to trigger nonsense-mediated mRNA decay. This variant was not reported in population-based cohorts in the Genome Aggregation Database (gnomAD). This nucleotide position is highly conserved in available vertebrate species. RNA studies have demonstrated that this variant results in a transcript predicted to lead to a protein with an in-frame deletion of 21 amino acid(s); however, the exact functional impact of the deleted amino acid(s) is unknown at this time (Ambry internal data). In silico splice site analysis predicts that this alteration will weaken the native splice donor site. Based on insufficient or conflicting evidence, the clinical significance of this alteration remains unclear.

NM_170606.3(KMT2C):c.3499+1G>A

Gene: KMT2C (lysine methyltransferase 2C; minus strand). Cytogenetic location: 7q36.1.
Variant type: single nucleotide variant.
Coding change: c.3499+1G>A on transcript NM_170606.3 (MANE Select); the canonical splice donor site of the intron after coding-DNA position 3499, G replaced by A.
Molecular consequence: splice donor variant.
Genome position (GRCh38, 1-based): chr7:152,222,000, C>T on the plus strand (G>A on the coding strand, the complement: KMT2C is on the minus strand). VCF-style: chr7-152222000-C-T. GRCh37 (hg19) VCF-style: chr7-151919085-C-T.
Identifiers: ClinVar variation 5023379 (VCV005023379.1).
Genomic context (GRCh38, chr7:152,222,000, plus strand): 5'-AATTATGTAAAAATTAAGCAAAGTAAATTAATTAAATCAAGTAAAGCATTTCAAATTTTA[C>T]CTAGCTCTTTTACTTTTGTGACAATTTGTGCTACAAGTGAAGATTCACAGCAGTCTGAGG-3'